The following is an entry in ClinVar:

NM_001035.3(RYR2):c.306G>A (p.Met102Ile)

Gene: RYR2 (ryanodine receptor 2; plus strand). Cytogenetic location: 1q43.
Variant type: single nucleotide variant.
Coding change: c.306G>A on transcript NM_001035.3 (MANE Select); coding-DNA position 306, G replaced by A.
Protein change: p.Met102Ile; replaces methionine 102 with isoleucine.
Molecular consequence: missense variant.
Genome position (GRCh38, 1-based): chr1:237,364,369, G>A. VCF-style: chr1-237364369-G-A. GRCh37 (hg19) VCF-style: chr1-237527669-G-A.
Other names: short protein forms M102I.
Identifiers: ClinVar variation 924481 (VCV000924481.3), dbSNP rs1700029219, ClinGen allele CA345654857.
Genomic context (GRCh38, chr1:237,364,369, plus strand): 5'-GAGATCGTGTCTATTTAATGTTTCCTCTCTTTTCCTTATGCCCCTACAGAAATTCATGAT[G>A]AAGGTAAGACATCTTAATATATATGCTATGTATATATATAGCAGATATATTACTATATAT-3'
Protein context (NP_001026.2, residues 92-112): QVDVEKWKFM[Met102Ile]KTAQGGGHRT

ClinVar aggregate classification (germline): Uncertain significance (1 of 4 stars; one submission).

Conditions:
Cardiomyopathy (CMYO). Also called: Cardiomyopathies. Identifiers: Orphanet 167848, MedGen C0878544, MONDO:0004994, HP:0001638. Inheritance: Various modes of inheritance.

Allele frequency attached by ClinVar (database versions not stated): gnomAD exomes below 0.00001.

Submission:

Color Diagnostics, LLC DBA Color Health
Classification: Uncertain significance for Cardiomyopathy. Last evaluated: 2018-12-19. Review status: criteria provided, single submitter. Criteria: ACMG Guidelines, 2015. Collection method: clinical testing. Allele origin: germline.
Comment: Variant of Uncertain Significance due to insufficient evidence: This missense variant is located in the cytoplasmic domain of the RYR2 protein. Computational prediction tools and conservation analyses are inconclusive regarding the impact of this variant on the protein function. Computational splicing tools suggest that this variant may not impact RNA splicing. To our knowledge, functional assays have not been performed for this variant nor has this variant been reported in individuals affected with cardiovascular disorders in the literature. This variant is rare in the general population and has been identified in 0/277264 chromosomes by the Genome Aggregation Database (gnomAD). Available evidence is insufficient to determine the role of this variant in disease conclusively.